The following is an entry in ClinVar:

NM_001042681.2(RERE):c.899A>C (p.Gln300Pro)

Gene: RERE (arginine-glutamic acid dipeptide repeats; minus strand). Cytogenetic location: 1p36.23.
Variant type: single nucleotide variant.
Coding change: c.899A>C on transcript NM_001042681.2 (MANE Select); coding-DNA position 899, A replaced by C.
Protein change: p.Gln300Pro; replaces glutamine 300 with proline.
Molecular consequence: missense variant.
Genome position (GRCh38, 1-based): chr1:8,497,510, T>G on the plus strand (A>C on the coding strand, the complement: RERE is on the minus strand). VCF-style: chr1-8497510-T-G. GRCh37 (hg19) VCF-style: chr1-8557570-T-G.
Other names: c.899A>C, p.Gln300Pro (NM_012102.4); short protein forms Q300P.
Identifiers: ClinVar variation 1334707 (VCV001334707.4), dbSNP rs1243371415, ClinGen allele CA338224101.

ClinVar aggregate classification (germline): Uncertain significance (1 of 4 stars; one submission).

Allele frequency attached by ClinVar (database versions not stated): gnomAD 0.00001; gnomAD exomes below 0.00001; TOPMed 0.00001.
gnomAD v4.1: 2 of 1,614,018 alleles (0.00012%); highest among the groups gnomAD compares: African/African-American, 0.0027%; no homozygotes.

Submission:

Greenwood Genetic Center Diagnostic Laboratories, Greenwood Genetic Center
Classification: Uncertain significance. Last evaluated: 2021-12-21. Review status: criteria provided, single submitter. Criteria: ACMG Guidelines, 2015. Collection method: clinical testing. Allele origin: germline. Affected: yes.
Comment: PM2